The following is an entry in ClinVar:

ClinVar aggregate classification (germline): Uncertain significance (1 of 4 stars; one submission).

Allele frequency attached by ClinVar (database versions not stated): TOPMed 0.00001.
gnomAD v4.1: 4 of 1,497,530 alleles (0.00027%); highest among the groups gnomAD compares: East Asian, 0.0029%; no homozygotes.

Submission:

Labcorp Genetics (formerly Invitae), Labcorp
Classification: Uncertain significance. Last evaluated: 2022-11-01. Review status: criteria provided, single submitter. Criteria: Invitae Variant Classification Sherloc (09022015). Collection method: clinical testing. Allele origin: germline.
Comment: Advanced modeling of protein sequence and biophysical properties (such as structural, functional, and spatial information, amino acid conservation, physicochemical variation, residue mobility, and thermodynamic stability) performed at Invitae indicates that this missense variant is not expected to disrupt GRIN2D protein function. This variant has not been reported in the literature in individuals affected with GRIN2D-related conditions. This variant is not present in population databases (gnomAD no frequency). This sequence change replaces glutamic acid, which is acidic and polar, with glutamine, which is neutral and polar, at codon 1109 of the GRIN2D protein (p.Glu1109Gln). In summary, the available evidence is currently insufficient to determine the role of this variant in disease. Therefore, it has been classified as a Variant of Uncertain Significance.

NM_000836.4(GRIN2D):c.3325G>C (p.Glu1109Gln)

Gene: GRIN2D (glutamate ionotropic receptor NMDA type subunit 2D; plus strand). Cytogenetic location: 19q13.33.
Variant type: single nucleotide variant.
Coding change: c.3325G>C on transcript NM_000836.4 (MANE Select); coding-DNA position 3325, G replaced by C.
Protein change: p.Glu1109Gln; replaces glutamic acid 1109 with glutamine.
Molecular consequence: missense variant.
Genome position (GRCh38, 1-based): chr19:48,443,251, G>C. VCF-style: chr19-48443251-G-C. GRCh37 (hg19) VCF-style: chr19-48946508-G-C.
Other names: short protein forms E1109Q.
Identifiers: ClinVar variation 1717955 (VCV001717955.6), dbSNP rs1341292489, ClinGen allele CA406675613.